The following is an entry in ClinVar:

ClinVar aggregate classification (germline): Pathogenic (1 of 4 stars; one submission).

Conditions:
Neurofibromatosis, type 1 (NF1). Also called: Peripheral type neurofibromatosis; VON RECKLINGHAUSEN DISEASE; NEUROFIBROMATOSIS, TYPE I, SOMATIC; Neurofibromatosis, type I. Identifiers: Orphanet 636, MedGen C0027831, MONDO:0018975, OMIM 162200. Disease mechanism: loss of function.

Submission:

Labcorp Genetics (formerly Invitae), Labcorp
Classification: Pathogenic for Neurofibromatosis, type 1. Last evaluated: 2018-06-08. Review status: criteria provided, single submitter. Criteria: Invitae Variant Classification Sherloc (09022015). Collection method: clinical testing. Allele origin: germline.
Comment: This variant is an in-frame deletion of the genomic region encompassing exons 9-12 of the NF1 gene. It preserves the integrity of the reading frame. This variant has been observed in individuals affected with neurofibromatosis type 1 (Invitae). The p.Leu380 amino acid residue in NF1 has been determined to be clinically significant (PMID: 27999334, Invitae). This suggests that variants that disrupt this residue are likely to be causative of disease. For these reasons, this variant has been classified as Pathogenic.

Literature cited by the submitters: PubMed 27999334.

NC_000017.11:g.(?_31200412)_(31206381_?)del

Gene: NF1 (neurofibromin 1; plus strand). Cytogenetic location: 17q11.2.
Variant type: Deletion.
Identifiers: ClinVar variation 583529 (VCV000583529.1).